The following is an entry in ClinVar:

NM_001130438.3(SPTAN1):c.1375C>T (p.Arg459Cys)

Gene: SPTAN1 (spectrin alpha, non-erythrocytic 1; plus strand). Cytogenetic location: 9q34.11.
Variant type: single nucleotide variant.
Coding change: c.1375C>T on transcript NM_001130438.3 (MANE Select); coding-DNA position 1375, C replaced by T.
Protein change: p.Arg459Cys; replaces arginine 459 with cysteine.
Molecular consequence: missense variant.
Genome position (GRCh38, 1-based): chr9:128,580,973, C>T. VCF-style: chr9-128580973-C-T. GRCh37 (hg19) VCF-style: chr9-131343252-C-T.
Other names: p.R459C:CGC>TGC; c.1375C>T, p.Arg459Cys (NM_001195532.2, NM_001363759.2, NM_001363765.2 and 1 more transcripts); short protein forms R459C.
Identifiers: ClinVar variation 207319 (VCV000207319.12), dbSNP rs772281075, ClinGen allele CA318670.

ClinVar aggregate classification (germline): Conflicting classifications of pathogenicity. Review status: criteria provided, conflicting classifications (1 of 4 stars). 4 submissions from 4 submitters: Uncertain significance (3); Likely benign (1). Last evaluated 2026-01-01.

Conditions:
Early-infantile DEE. Also called: Ohtahara syndrome; Early infantile epileptic encephalopathy; Early infantile epileptic encephalopathy with suppression bursts. Identifiers: Orphanet 1934, MedGen C0393706, MONDO:0800491.
Inborn genetic diseases. Identifiers: MedGen C0950123, MeSH D030342.

Allele frequency attached by ClinVar (database versions not stated): ExAC 0.00001; gnomAD 0.00001; gnomAD exomes 0.00001; TOPMed 0.00002.

Submissions (4):

CeGaT Center for Human Genetics Tuebingen
Classification: Uncertain significance. Last evaluated: 2026-01-01. Review status: criteria provided, single submitter. Criteria: CeGaT Center For Human Genetics Tuebingen Variant Classification Criteria Version 2. Collection method: clinical testing. Allele origin: germline. Affected: yes. Observed: 1 variant allele.

Labcorp Genetics (formerly Invitae), Labcorp
Classification: Uncertain significance for Early-infantile DEE. Last evaluated: 2024-05-23. Review status: criteria provided, single submitter. Criteria: Invitae Variant Classification Sherloc (09022015). Collection method: clinical testing. Allele origin: germline.
Comment: This sequence change replaces arginine, which is basic and polar, with cysteine, which is neutral and slightly polar, at codon 459 of the SPTAN1 protein (p.Arg459Cys). This variant is present in population databases (rs772281075, gnomAD 0.002%). This variant has not been reported in the literature in individuals affected with SPTAN1-related conditions. ClinVar contains an entry for this variant (Variation ID: 207319). Advanced modeling of protein sequence and biophysical properties (such as structural, functional, and spatial information, amino acid conservation, physicochemical variation, residue mobility, and thermodynamic stability) has been performed at Invitae for this missense variant, however the output from this modeling did not meet the statistical confidence thresholds required to predict the impact of this variant on SPTAN1 protein function. In summary, the available evidence is currently insufficient to determine the role of this variant in disease. Therefore, it has been classified as a Variant of Uncertain Significance.

Ambry Genetics
Classification: Likely benign for Inborn genetic diseases. Last evaluated: 2018-11-28. Review status: criteria provided, single submitter. Criteria: Ambry Variant Classification Scheme 2023. Collection method: clinical testing. Allele origin: germline.

GeneDx
Classification: Uncertain significance. Last evaluated: 2013-06-05. Review status: criteria provided, single submitter. Criteria: GeneDx Variant Classification (06012015). Collection method: clinical testing. Allele origin: germline. Affected: yes.
Comment: p.Arg459Cys (CGC>TGC): c.1375 C>T in the SPTAN1 gene. The Arg459Cys missense change in the SPTAN1 gene has not been published as a mutation, nor has it been reported as a benign polymorphism to our knowledge. It was not observed in approximately 6,500 individuals of European and African American ancestry in the NHLBI Exome Sequencing Project, indicating it is not a common benign variant in these populations. The amino acid substitution is non-conservative, as a positively charged Arginine residue is replaced by an uncharged Cysteine residue. It alters a highly conserved position in the fifth spectrin repeat of the protein, and in silico analysis predict it may be damaging to protein structure/function. However, previously reported pathogenic mutations that have been reported in the SPTAN1 gene have been in-frame deletion or duplications located within the last four spectrin repeats of the protein, which are essential for dimerization (Saitsu et al., 2010; Hamdan et al., 2012). Based on the currently available information, it is unclear whether Arg459Cys on its own is a disease-causing mutation or a rare benign variant. The variant is found in EPILEPSY panel(s).